The following is an entry in ClinVar:

ClinVar aggregate classification (germline): Benign/Likely benign. Review status: criteria provided, multiple submitters, no conflicts (2 of 4 stars). 4 submissions from 3 submitters: Benign (2); Likely benign (2). Last evaluated 2021-05-13.

Conditions:
Muscular dystrophy-dystroglycanopathy (congenital with brain and eye anomalies), type A, 4 (MDDGA4). Also called: WALKER-WARBURG SYNDROME OR MUSCLE-EYE-BRAIN DISEASE, FKTN-RELATED; Walker-Warburg Syndrome, Fktn-Related; Congenital muscular dystrophy-dystroglycanopathy with brain and eye anomalies, type A4; Muscular dystrophy, congenital progressive, with mental retardation; Muscular dystrophy, congenital, with central nervous system involvement; Cerebromuscular dystrophy, Fukuyama type. Identifiers: Orphanet 272, Orphanet 588, Orphanet 899, MedGen C0410174, MONDO:0009678, OMIM 253800.
Dilated cardiomyopathy 1X (CMD1X). Also called: FKTN-Related Dilated Cardiomyopathy; CARDIOMYOPATHY, DILATED, WITH MILD OR NO PROXIMAL MUSCLE WEAKNESS. Identifiers: Orphanet 154, MedGen C1969024, MONDO:0012704, OMIM 611615.

Allele frequency attached by ClinVar (database versions not stated): gnomAD 0.12157 and 0.12467; TOPMed 0.13074; 1000 Genomes Project 30x 0.13523; 1000 Genomes Project 0.13538; gnomAD exomes 0.13620.
gnomAD v4.1: 132,436 of 985,320 alleles (13%); highest among the groups gnomAD compares: Admixed American, 23%; 9,507 homozygotes.

Submissions (4):

GeneDx
Classification: Benign. Last evaluated: 2021-05-13. Review status: criteria provided, single submitter. Criteria: GeneDx Variant Classification Process June 2021. Collection method: clinical testing. Allele origin: germline. Affected: yes.

Illumina Laboratory Services, Illumina
Classification: Benign for Muscular dystrophy-dystroglycanopathy (congenital with brain and eye anomalies), type A, 4. Last evaluated: 2018-01-13. Review status: criteria provided, single submitter. Criteria: ICSL Variant Classification Criteria 13 December 2019. Collection method: clinical testing. Allele origin: germline.
Comment: This variant was observed in the ICSL laboratory as part of a predisposition screen in an ostensibly healthy population. It had not been previously curated by ICSL or reported in the Human Gene Mutation Database (HGMD: prior to June 1st, 2018), and was therefore a candidate for classification through an automated scoring system. Utilizing variant allele frequency, disease prevalence and penetrance estimates, and inheritance mode, an automated score was calculated to assess if this variant is too frequent to cause the disease. Based on the score and internal cut-off values, a variant classified as benign is not then subjected to further curation. The score for this variant resulted in a classification of benign for this disease.

Illumina Laboratory Services, Illumina
Classification: Likely benign for Dilated cardiomyopathy 1X. Last evaluated: 2018-01-13. Review status: criteria provided, single submitter. Criteria: ICSL Variant Classification Criteria 13 December 2019. Collection method: clinical testing. Allele origin: germline.
Comment: This variant was observed in the ICSL laboratory as part of a predisposition screen in an ostensibly healthy population. It had not been previously curated by ICSL or reported in the Human Gene Mutation Database (HGMD: prior to June 1st, 2018), and was therefore a candidate for classification through an automated scoring system. Utilizing variant allele frequency, disease prevalence and penetrance estimates, and inheritance mode, an automated score was calculated to assess if this variant is too frequent to cause the disease. Based on the score and internal cut-off values, a variant classified as likely benign is not then subjected to further curation. The score for this variant resulted in a classification of likely benign for this disease.

Breakthrough Genomics
Classification: Likely benign. Review status: criteria provided, single submitter. Criteria: ACMG Guidelines, 2015. Collection method: not provided. Allele origin: germline. Inheritance: Autosomal recessive inheritance. Affected: yes.

NM_001079802.2(FKTN):c.*1133A>G

Gene: FKTN (fukutin; plus strand). Cytogenetic location: 9q31.2.
Variant type: single nucleotide variant.
Coding change: c.*1133A>G on transcript NM_001079802.2 (MANE Select); 1133 bases downstream of the stop codon, A replaced by G.
Molecular consequence: 3 prime UTR variant. On other transcripts: non-coding transcript variant (2), intron variant (1).
Genome position (GRCh38, 1-based): chr9:105,636,397, A>G. VCF-style: chr9-105636397-A-G. GRCh37 (hg19) VCF-style: chr9-108398678-A-G.
Other names: c.1270+1249A>G (NM_001198963.2); c.*1133A>G (NM_001351496.2, NM_001351497.2, NM_001351499.2 and 4 more transcripts); c.*1311A>G (NM_001351498.2).
Identifiers: ClinVar variation 364498 (VCV000364498.8), dbSNP rs2768282, ClinGen allele CA10631989.